The following is an entry in ClinVar:

ClinVar aggregate classification (germline): Uncertain significance (1 of 4 stars; one submission).

Conditions:
Dystonic disorder. Also called: Dystonia. Identifiers: MedGen C0013421, MONDO:0003441, HP:0001332.

Submission:

Labcorp Genetics (formerly Invitae), Labcorp
Classification: Uncertain significance for Dystonic disorder. Last evaluated: 2025-12-04. Review status: criteria provided, single submitter. Criteria: Invitae Variant Classification Sherloc (09022015). Collection method: clinical testing. Allele origin: germline.
Comment: This sequence change replaces threonine, which is neutral and polar, with isoleucine, which is neutral and non-polar, at codon 138 of the CIZ1 protein (p.Thr138Ile). This variant is not present in population databases (gnomAD no frequency). This variant has not been reported in the literature in individuals affected with CIZ1-related conditions. An algorithm developed to predict the effect of missense changes on protein structure and function (PolyPhen-2) suggests that this variant is likely to be disruptive. In summary, the available evidence is currently insufficient to determine the role of this variant in disease. Therefore, it has been classified as a Variant of Uncertain Significance.

NM_001131016.2(CIZ1):c.413C>T (p.Thr138Ile)

Gene: CIZ1 (CDKN1A interacting zinc finger protein 1; minus strand). Cytogenetic location: 9q34.11.
Variant type: single nucleotide variant.
Coding change: c.413C>T on transcript NM_001131016.2 (MANE Select); coding-DNA position 413, C replaced by T.
Protein change: p.Thr138Ile; replaces threonine 138 with isoleucine.
Molecular consequence: missense variant.
Genome position (GRCh38, 1-based): chr9:128,185,722, G>A on the plus strand (C>T on the coding strand, the complement: CIZ1 is on the minus strand). VCF-style: chr9-128185722-G-A. GRCh37 (hg19) VCF-style: chr9-130948001-G-A.
Other names: c.413C>T, p.Thr138Ile (NM_001131015.2, NM_001131017.2, NM_012127.3); c.341C>T, p.Thr114Ile (NM_001131018.2); c.503C>T, p.Thr168Ile (NM_001257975.2); c.110C>T, p.Thr37Ile (NM_001257976.2); short protein forms T138I, T114I, T168I, T37I.
Identifiers: ClinVar variation 4776634 (VCV004776634.1).